The following is an entry in ClinVar:

NM_000618.5(IGF1):c.245G>A (p.Ser82Asn)

Genes: IGF1 (insulin like growth factor 1; minus strand), LINC02456 (long intergenic non-protein coding RNA 2456; plus strand). Cytogenetic location: 12q23.2.
Variant type: single nucleotide variant.
Coding change: c.245G>A on transcript NM_000618.5 (MANE Select); coding-DNA position 245, G replaced by A.
Protein change: p.Ser82Asn; replaces serine 82 with asparagine.
Molecular consequence: missense variant.
Genome position (GRCh38, 1-based): chr12:102,419,666, C>T on the plus strand (G>A on the coding strand, the complement: IGF1 is on the minus strand). VCF-style: chr12-102419666-C-T. GRCh37 (hg19) VCF-style: chr12-102813444-C-T.
Other names: c.245G>A, p.Ser82Asn (NM_001111283.3, NM_001111285.3, NM_001414005.1 and 1 more transcripts); c.197G>A, p.Ser66Asn (NM_001111284.2, NM_001414006.1); short protein forms S66N, S82N.
Identifiers: ClinVar variation 2097941 (VCV002097941.4), dbSNP rs752694732, ClinGen allele CA6748583.

ClinVar aggregate classification (germline): Uncertain significance (1 of 4 stars; one submission).

Allele frequency attached by ClinVar (database versions not stated): ExAC 0.00001; gnomAD exomes 0.00001.

Submission:

Labcorp Genetics (formerly Invitae), Labcorp
Classification: Uncertain significance. Last evaluated: 2022-02-17. Review status: criteria provided, single submitter. Criteria: Invitae Variant Classification Sherloc (09022015). Collection method: clinical testing. Allele origin: germline.
Comment: This variant is present in population databases (rs752694732, gnomAD 0.02%). This sequence change replaces serine, which is neutral and polar, with asparagine, which is neutral and polar, at codon 82 of the IGF1 protein (p.Ser82Asn). In summary, the available evidence is currently insufficient to determine the role of this variant in disease. Therefore, it has been classified as a Variant of Uncertain Significance. Algorithms developed to predict the effect of missense changes on protein structure and function output the following: SIFT: "Tolerated"; PolyPhen-2: "Benign"; Align-GVGD: "Class C0". The asparagine amino acid residue is found in multiple mammalian species, which suggests that this missense change does not adversely affect protein function. This variant has not been reported in the literature in individuals affected with IGF1-related conditions.